The following is an entry in ClinVar:

ClinVar aggregate classification (germline): Uncertain significance. Review status: criteria provided, multiple submitters, no conflicts (2 of 4 stars). 2 submissions from 2 submitters: Uncertain significance (2). Last evaluated 2026-08-25.

Conditions:
Hereditary cancer-predisposing syndrome. Also called: Tumor predisposition; Hereditary Cancer Syndrome; Hereditary neoplastic syndrome; Neoplastic Syndromes, Hereditary. Identifiers: Orphanet 140162, MedGen C0027672, MeSH D009386, MONDO:0015356.

Submissions (2):

Ambry Genetics
Classification: Uncertain significance for Hereditary cancer-predisposing syndrome. Last evaluated: 2026-08-25. Review status: criteria provided, single submitter. Criteria: Ambry Variant Classification Scheme 2023. Collection method: clinical testing. Allele origin: germline.
Comment: The p.P602T variant (also known as c.1804C>A), located in coding exon 12 of the CTNNA1 gene, results from a C to A substitution at nucleotide position 1804. The proline at codon 602 is replaced by threonine, an amino acid with highly similar properties. This amino acid position is conserved. In addition, this alteration is predicted to be tolerated by in silico analysis. Based on the available evidence, the clinical significance of this variant remains unclear.

GeneDx
Classification: Uncertain significance. Last evaluated: 2023-07-26. Review status: criteria provided, single submitter. Criteria: GeneDx Variant Classification Process June 2021. Collection method: clinical testing. Allele origin: germline. Affected: yes.
Comment: Not observed at significant frequency in large population cohorts (gnomAD); In silico analysis supports that this missense variant has a deleterious effect on protein structure/function; Has not been previously published as pathogenic or benign to our knowledge

NM_001903.5(CTNNA1):c.1804C>A (p.Pro602Thr)

Gene: CTNNA1 (catenin alpha 1; plus strand). Cytogenetic location: 5q31.2.
Variant type: single nucleotide variant.
Coding change: c.1804C>A on transcript NM_001903.5 (MANE Select); coding-DNA position 1804, C replaced by A.
Protein change: p.Pro602Thr; replaces proline 602 with threonine.
Molecular consequence: missense variant.
Genome position (GRCh38, 1-based): chr5:138,925,312, C>A. VCF-style: chr5-138925312-C-A. GRCh37 (hg19) VCF-style: chr5-138261001-C-A.
Other names: c.694C>A, p.Pro232Thr (NM_001323989.1, NM_001323990.1, NM_001323991.1 and 17 more transcripts); c.355C>A, p.Pro119Thr (NM_001324008.1, NM_001324009.1, NM_001324010.1 and 2 more transcripts); c.601C>A, p.Pro201Thr (NM_001324011.1); c.451C>A, p.Pro151Thr (NM_001324012.1, NM_001324013.1); c.1804C>A, p.Pro602Thr (NM_001290307.3, NM_001323982.2, NM_001323983.1 and 2 more transcripts); c.1495C>A, p.Pro499Thr (NM_001290309.3); c.1435C>A, p.Pro479Thr (NM_001290310.3); c.1711C>A, p.Pro571Thr (NM_001323986.2); and 1 more; short protein forms P119T, P151T, P201T, P232T, P479T, P499T, P571T, P602T.
Identifiers: ClinVar variation 3361329 (VCV003361329.2).
Genomic context (GRCh38, chr5:138,925,312, plus strand): 5'-ACAGTCATGCCACGTTTTACTGAGCAAGTAGAAGCAGCCGTGGAAGCCCTCAGCTCGGAC[C>A]CTGCCCAGCCCATGGATGAGAATGAGTTTATCGATGCTTCCCGCCTGGTATATGATGGCA-3'
Protein context (NP_001894.2, residues 592-612): EAAVEALSSD[Pro602Thr]AQPMDENEFI